The following is an entry in ClinVar:

ClinVar aggregate classification (germline): Conflicting classifications of pathogenicity. Review status: criteria provided, conflicting classifications (1 of 4 stars). 2 submissions from 2 submitters: Uncertain significance (1); Likely benign (1). Last evaluated 2025-07-09.

Allele frequency attached by ClinVar (database versions not stated): TOPMed 0.00002; gnomAD 0.00003.
gnomAD v4.1: 12 of 1,614,112 alleles (0.00074%); highest among the groups gnomAD compares: African/African-American, 0.016%; no homozygotes.

Submissions (2):

Labcorp Genetics (formerly Invitae), Labcorp
Classification: Likely benign. Last evaluated: 2025-07-09. Review status: criteria provided, single submitter. Criteria: Invitae Variant Classification Sherloc (09022015). Collection method: clinical testing. Allele origin: germline.

GeneDx
Classification: Uncertain significance. Last evaluated: 2024-06-10. Review status: criteria provided, single submitter. Criteria: GeneDx Variant Classification Process June 2021. Collection method: clinical testing. Allele origin: germline.
Comment: Has not been previously published as pathogenic or benign to our knowledge; Not observed at significant frequency in large population cohorts (gnomAD); In silico analysis indicates that this variant does not alter splicing

NM_001292034.3(TAB2):c.297A>G (p.Gly99=)

Gene: TAB2 (TGF-beta activated kinase 1 (MAP3K7) binding protein 2; plus strand). Cytogenetic location: 6q25.1.
Variant type: single nucleotide variant.
Coding change: c.297A>G on transcript NM_001292034.3 (MANE Select); coding-DNA position 297, A replaced by G.
Protein change: p.Gly99=; no amino-acid change (glycine 99 retained).
Molecular consequence: synonymous variant.
Genome position (GRCh38, 1-based): chr6:149,378,212, A>G. VCF-style: chr6-149378212-A-G. GRCh37 (hg19) VCF-style: chr6-149699348-A-G.
Other names: c.201A>G, p.Gly67= (NM_001292035.3); c.297A>G, p.Gly99= (NM_001369506.1, NM_015093.6).
Identifiers: ClinVar variation 2662869 (VCV002662869.4), dbSNP rs893206762, ClinGen allele CA149915787.